The following is an entry in ClinVar:

ClinVar aggregate classification (germline): Conflicting classifications of pathogenicity. Review status: criteria provided, conflicting classifications (1 of 4 stars). 7 submissions from 7 submitters: Uncertain significance (2); Benign (2); Likely benign (2). 1 of the submissions does not count toward it. Last evaluated 2025-12-21.

Conditions:
SZT2-related disorder. Also called: SZT2-related condition.
Inborn genetic diseases. Identifiers: MedGen C0950123, MeSH D030342.

Allele frequency attached by ClinVar (database versions not stated): ESP Exome Variant Server 0.00023; gnomAD 0.00034; ExAC 0.00038; TOPMed 0.00044.
gnomAD v4.1: 551 of 1,606,354 alleles (0.034%); highest among the groups gnomAD compares: Non-Finnish European, 0.0093%; 6 homozygotes.

Submissions (9):

Labcorp Genetics (formerly Invitae), Labcorp
Classification: Benign. Last evaluated: 2025-12-21. Review status: criteria provided, single submitter. Criteria: Invitae Variant Classification Sherloc (09022015). Collection method: clinical testing. Allele origin: germline.

Blueprint Genetics
Classification: Likely benign. Last evaluated: 2024-09-24. Review status: criteria provided, single submitter. Criteria: ACMG Guidelines, 2015. Collection method: clinical testing. Allele origin: germline.

CeGaT Center for Human Genetics Tuebingen
Classification: Uncertain significance. Last evaluated: 2021-08-01. Review status: criteria provided, single submitter. Criteria: CeGaT Center For Human Genetics Tuebingen Variant Classification Criteria Version 2. Collection method: clinical testing. Allele origin: germline. Affected: yes. Observed: 1 variant allele.

GeneDx
Classification: Benign. Last evaluated: 2019-06-27. Review status: criteria provided, single submitter. Criteria: GeneDx Variant Classification Process June 2021. Collection method: clinical testing. Allele origin: germline. Affected: yes.
Comment: In silico analysis supports that this missense variant does not alter protein structure/function; This variant is associated with the following publications: (PMID: 30564332)

Ambry Genetics
Classification: Likely benign for Inborn genetic diseases. Last evaluated: 2019-02-11. Review status: criteria provided, single submitter. Criteria: Ambry Variant Classification Scheme 2023. Collection method: clinical testing. Allele origin: germline.

Genomic Diagnostic Laboratory, Division of Genomic Diagnostics, Children's Hospital of Philadelphia
Classification: Uncertain significance. Last evaluated: 2015-06-11. Review status: criteria provided, single submitter. Criteria: DGD Variant Analysis Guidelines. Collection method: clinical testing. Allele origin: unknown.

PreventionGenetics, part of Exact Sciences
Classification: Benign for SZT2-related condition. Last evaluated: 2024-05-22. Review status: no assertion criteria provided. Collection method: clinical testing. Allele origin: germline. Not counted in ClinVar's aggregate classification.
Comment: This variant is classified as benign based on ACMG/AMP sequence variant interpretation guidelines (Richards et al. 2015 PMID: 25741868, with internal and published modifications).

Dr. Peter K. Rogan Lab, Western University
No classification provided (evidence only). Condition: Colon adenocarcinoma. Review status: no classification provided. Collection method: in vitro. Allele origin: not applicable. Functional consequence: retained intron. Not counted in ClinVar's aggregate classification.

Dr. Peter K. Rogan Lab, Western University
No classification provided (evidence only). Condition: Thyroid cancer, nonmedullary, 1. Review status: no classification provided. Collection method: in vitro. Allele origin: not applicable. Functional consequence: retained intron. Not counted in ClinVar's aggregate classification.

Literature cited by the submitters: PubMed 30564332 (cited by Ambry Genetics).

NM_001365999.1(SZT2):c.5345C>T (p.Ala1782Val)

Gene: SZT2 (SZT2 subunit of KICSTOR complex; plus strand). Cytogenetic location: 1p34.2.
Variant type: single nucleotide variant.
Coding change: c.5345C>T on transcript NM_001365999.1 (MANE Select); coding-DNA position 5345, C replaced by T.
Protein change: p.Ala1782Val; replaces alanine 1782 with valine.
Molecular consequence: missense variant.
Genome position (GRCh38, 1-based): chr1:43,432,342, C>T. VCF-style: chr1-43432342-C-T. GRCh37 (hg19) VCF-style: chr1-43898013-C-T.
Other names: c.5174C>T, p.Ala1725Val (NM_015284.4); short protein forms A1725V, A1782V.
Identifiers: ClinVar variation 218716 (VCV000218716.53), dbSNP rs138028425, ClinGen allele CA249354.
Genomic context (GRCh38, chr1:43,432,342, plus strand): 5'-GCCTCCATCTCCCTGGCCATGTTCTTCTTGAAGACCCTGACAGTGGCTTCTTCTTTGTGG[C>T]AGCTGGCCAACAGCCAGGTGGGTCCCATGGGGAGCCTTCTTCAGCGGCCTGGGCTTGGCA-3'
Protein context (NP_001352928.1, residues 1772-1792): EDPDSGFFFV[Ala1782Val]AGQQPGGSHG